The following is an entry in ClinVar:

NM_000057.4(BLM):c.2050G>T (p.Asp684Tyr)

Gene: BLM (BLM RecQ like helicase; plus strand). Cytogenetic location: 15q26.1.
Variant type: single nucleotide variant.
Coding change: c.2050G>T on transcript NM_000057.4 (MANE Select); coding-DNA position 2050, G replaced by T.
Protein change: p.Asp684Tyr; replaces aspartic acid 684 with tyrosine.
Molecular consequence: missense variant.
Genome position (GRCh38, 1-based): chr15:90,763,133, G>T. VCF-style: chr15-90763133-G-T. GRCh37 (hg19) VCF-style: chr15-91306363-G-T.
Other names: c.2050G>T, p.Asp684Tyr (NM_001287246.2, NM_001287247.2); c.925G>T, p.Asp309Tyr (NM_001287248.2); short protein forms D309Y, D684Y.
Identifiers: ClinVar variation 3224156 (VCV003224156.1), dbSNP rs2151160786, ClinGen allele CA393844439.

ClinVar aggregate classification (germline): Uncertain significance (1 of 4 stars; one submission).

Conditions:
Hereditary cancer-predisposing syndrome. Also called: Tumor predisposition; Hereditary neoplastic syndrome; Hereditary Cancer Syndrome; Neoplastic Syndromes, Hereditary. Identifiers: Orphanet 140162, MedGen C0027672, MeSH D009386, MONDO:0015356.

Submission:

Ambry Genetics
Classification: Uncertain significance for Hereditary cancer-predisposing syndrome. Last evaluated: 2023-02-23. Review status: criteria provided, single submitter. Criteria: Ambry Variant Classification Scheme 2023. Collection method: clinical testing. Allele origin: germline.
Comment: The p.D684Y variant (also known as c.2050G>T), located in coding exon 7 of the BLM gene, results from a G to T substitution at nucleotide position 2050. The aspartic acid at codon 684 is replaced by tyrosine, an amino acid with highly dissimilar properties. This amino acid position is conserved. In addition, this alteration is predicted to be deleterious by in silico analysis. Since supporting evidence is limited at this time, the clinical significance of this alteration remains unclear.